The following is an entry in ClinVar:

ClinVar aggregate classification (germline): Pathogenic. Review status: criteria provided, multiple submitters, no conflicts (2 of 4 stars). 2 submissions from 2 submitters: Pathogenic (2). Last evaluated 2026-05-22.

Conditions:
Jeune thoracic dystrophy. Also called: Jeune syndrome; Infantile thoracic dystrophy; Thoracic pelvic phalangeal dystrophy; Jeune's syndrome; Chondroectodermal dysplasia-like syndrome; Short-rib thoracic dysplasia. Identifiers: Orphanet 474, MedGen C0265275, MONDO:0018770.
Nephronophthisis. Also called: Juvenile Nephronophthisis. Identifiers: Orphanet 655, MedGen C0687120, MONDO:0019005, HP:0000090.
TTC21B-related disorder. Also called: TTC21B-related condition; TTC21B-related disorders.

Submissions (2):

PreventionGenetics, part of Exact Sciences
Classification: Pathogenic for TTC21B-related condition. Last evaluated: 2026-05-22. Review status: criteria provided, single submitter. Criteria: ACMG Guidelines, 2015. Collection method: clinical testing. Allele origin: germline.
Comment: The TTC21B c.2979_2982delTGAT variant is predicted to result in a frameshift and premature protein termination (p.Asp994Serfs*2). To our knowledge this variant has not been reported in individuals with TTC21B-related conditions. This variant is reported in 0.0018% of alleles in individuals of European (Non-Finnish) descent in gnomAD and is classified as pathogenic in ClinVar (Variation ID: 2924752). Frameshift variants in TTC21B are expected to be pathogenic. This variant is interpreted as pathogenic.

Labcorp Genetics (formerly Invitae), Labcorp
Classification: Pathogenic for Jeune thoracic dystrophy; Nephronophthisis. Last evaluated: 2023-11-13. Review status: criteria provided, single submitter. Criteria: Invitae Variant Classification Sherloc (09022015). Collection method: clinical testing. Allele origin: germline.
Comment: This sequence change creates a premature translational stop signal (p.Asp994Serfs*2) in the TTC21B gene. It is expected to result in an absent or disrupted protein product. Loss-of-function variants in TTC21B are known to be pathogenic (PMID: 18327258, 21068128, 21258341, 23559409, 24876116, 25492405, 27491411, 29068549). This variant is present in population databases (rs774811002, gnomAD 0.002%). This variant has not been reported in the literature in individuals affected with TTC21B-related conditions. For these reasons, this variant has been classified as Pathogenic.

Literature cited by the submitters: PubMed 18327258 (cited by Labcorp Genetics (formerly Invitae), Labcorp); PubMed 21068128 (cited by Labcorp Genetics (formerly Invitae), Labcorp); PubMed 21258341 (cited by Labcorp Genetics (formerly Invitae), Labcorp); PubMed 23559409 (cited by Labcorp Genetics (formerly Invitae), Labcorp); PubMed 24876116 (cited by Labcorp Genetics (formerly Invitae), Labcorp); PubMed 25492405 (cited by Labcorp Genetics (formerly Invitae), Labcorp); PubMed 27491411 (cited by Labcorp Genetics (formerly Invitae), Labcorp); PubMed 29068549 (cited by Labcorp Genetics (formerly Invitae), Labcorp).

NM_024753.5(TTC21B):c.2979_2982del (p.Asp994fs)

Gene: TTC21B (tetratricopeptide repeat domain 21B; minus strand). Cytogenetic location: 2q24.3.
Variant type: Microsatellite.
Coding change: c.2979_2982del on transcript NM_024753.5 (MANE Select); coding-DNA positions 2979 to 2982, 4 bases deleted (TGAT; older notation c.2979_2982delTGAT).
Protein change: p.Asp994fs; shifts the reading frame from aspartic acid 994.
Molecular consequence: frameshift variant.
Genome position (GRCh38, 1-based): chr2:165,890,957-165,890,960, ATCA deleted on the plus strand (TGAT on the coding strand, the reverse complement: TTC21B is on the minus strand); deleting any 4 consecutive bases within chr2:165,890,957-165,890,965 gives the same sequence; the c. name uses the placement nearest the transcript's 3' end. VCF-style (leftmost placement, unchanged base first): chr2-165890956-GATCA-G. GRCh37 (hg19) VCF-style: chr2-166747466-GATCA-G.
Other names: c.2979_2982delTGAT (NM_024753.4); short protein forms D994fs.
Identifiers: ClinVar variation 2924752 (VCV002924752.4), dbSNP rs774811002, ClinGen allele CA1941623.